The following is an entry in ClinVar:

NM_001385012.1(NBEA):c.1934A>C (p.His645Pro)

Gene: NBEA (neurobeachin; plus strand). Cytogenetic location: 13q13.3.
Variant type: single nucleotide variant.
Coding change: c.1934A>C on transcript NM_001385012.1 (MANE Select); coding-DNA position 1934, A replaced by C.
Protein change: p.His645Pro; replaces histidine 645 with proline.
Molecular consequence: missense variant.
Genome position (GRCh38, 1-based): chr13:35,110,910, A>C. VCF-style: chr13-35110910-A-C. GRCh37 (hg19) VCF-style: chr13-35685047-A-C.
Other names: c.1934A>C, p.His645Pro (NM_001379245.1, NM_015678.5); short protein forms H645P.
Identifiers: ClinVar variation 4074490 (VCV004074490.1).

ClinVar aggregate classification (germline): Uncertain significance (1 of 4 stars; one submission).

Submission:

GeneDx
Classification: Uncertain significance. Last evaluated: 2025-02-10. Review status: criteria provided, single submitter. Criteria: GeneDx Variant Classification Process June 2021. Collection method: clinical testing. Allele origin: germline. Affected: yes.
Comment: Not observed at significant frequency in large population cohorts (gnomAD); In silico analysis supports that this missense variant has a deleterious effect on protein structure/function; Has not been previously published as pathogenic or benign to our knowledge